The following is an entry in ClinVar:

NM_016507.4(CDK12):c.4198G>C (p.Asp1400His)

Gene: CDK12 (cyclin dependent kinase 12; plus strand). Cytogenetic location: 17q12.
Variant type: single nucleotide variant.
Coding change: c.4198G>C on transcript NM_016507.4 (MANE Select); coding-DNA position 4198, G replaced by C.
Protein change: p.Asp1400His; replaces aspartic acid 1400 with histidine.
Molecular consequence: missense variant.
Genome position (GRCh38, 1-based): chr17:39,531,041, G>C. VCF-style: chr17-39531041-G-C. GRCh37 (hg19) VCF-style: chr17-37687294-G-C.
Other names: c.4171G>C, p.Asp1391His (NM_015083.4); short protein forms D1391H, D1400H.
Identifiers: ClinVar variation 4224204 (VCV004224204.1).

ClinVar aggregate classification (germline): Uncertain significance (1 of 4 stars; one submission).

Submission:

Ambry Genetics
Classification: Uncertain significance. Last evaluated: 2025-06-21. Review status: criteria provided, single submitter. Criteria: Ambry Variant Classification Scheme 2023. Collection method: clinical testing. Allele origin: germline.
Comment: The p.D1400H variant (also known as c.4198G>C), located in coding exon 14 of the CDK12 gene, results from a G to C substitution at nucleotide position 4198. The aspartic acid at codon 1400 is replaced by histidine, an amino acid with similar properties. This amino acid position is conserved. In addition, this alteration is predicted to be deleterious by in silico analysis. Based on the available evidence, the clinical significance of this variant remains unclear.